The following is an entry in ClinVar:

ClinVar aggregate classification (germline): Uncertain significance. Review status: criteria provided, multiple submitters, no conflicts (2 of 4 stars). 5 submissions from 5 submitters: Uncertain significance (5). Last evaluated 2024-07-18.

Conditions:
Inborn genetic diseases. Identifiers: MedGen C0950123, MeSH D030342.
Autosomal recessive nonsyndromic hearing loss 93. Also called: Deafness, autosomal recessive 93. Identifiers: Orphanet 90636, MedGen C3888355, MONDO:0013963, OMIM 614899.

Allele frequency attached by ClinVar (database versions not stated): TOPMed 0.00014; gnomAD 0.00015 and 0.00016; ExAC 0.00017.
gnomAD v4.1: 348 of 1,549,960 alleles (0.022%); highest among the groups gnomAD compares: Non-Finnish European, 0.029%; no homozygotes.

Submissions (5):

Blueprint Genetics
Classification: Uncertain significance. Last evaluated: 2024-07-18. Review status: criteria provided, single submitter. Criteria: ACMG Guidelines, 2015. Collection method: clinical testing. Allele origin: germline.

GeneDx
Classification: Uncertain significance. Last evaluated: 2023-05-10. Review status: criteria provided, single submitter. Criteria: GeneDx Variant Classification Process June 2021. Collection method: clinical testing. Allele origin: germline. Affected: yes.
Comment: In silico analysis supports that this missense variant does not alter protein structure/function; Has not been previously published as pathogenic or benign to our knowledge

Labcorp Genetics (formerly Invitae), Labcorp
Classification: Uncertain significance. Last evaluated: 2022-04-30. Review status: criteria provided, single submitter. Criteria: Invitae Variant Classification Sherloc (09022015). Collection method: clinical testing. Allele origin: germline.
Comment: This sequence change replaces tyrosine, which is neutral and polar, with serine, which is neutral and polar, at codon 48 of the CABP2 protein (p.Tyr48Ser). This variant is present in population databases (rs760234562, gnomAD 0.03%). This variant has not been reported in the literature in individuals affected with CABP2-related conditions. ClinVar contains an entry for this variant (Variation ID: 1254635). Algorithms developed to predict the effect of missense changes on protein structure and function are either unavailable or do not agree on the potential impact of this missense change (SIFT: "Tolerated"; PolyPhen-2: "Possibly Damaging"; Align-GVGD: "Class C0"). In summary, the available evidence is currently insufficient to determine the role of this variant in disease. Therefore, it has been classified as a Variant of Uncertain Significance.

Fulgent Genetics
Classification: Uncertain significance for Autosomal recessive nonsyndromic hearing loss 93. Last evaluated: 2021-08-27. Review status: criteria provided, single submitter. Criteria: ACMG Guidelines, 2015. Collection method: clinical testing. Allele origin: unknown.

Ambry Genetics
Classification: Uncertain significance for Inborn genetic diseases. Last evaluated: 2021-08-02. Review status: criteria provided, single submitter. Criteria: Ambry Variant Classification Scheme 2023. Collection method: clinical testing. Allele origin: germline.

NM_016366.3(CABP2):c.143A>C (p.Tyr48Ser)

Gene: CABP2 (calcium binding protein 2; minus strand). Cytogenetic location: 11q13.2.
Variant type: single nucleotide variant.
Coding change: c.143A>C on transcript NM_016366.3 (MANE Select); coding-DNA position 143, A replaced by C.
Protein change: p.Tyr48Ser; replaces tyrosine 48 with serine.
Molecular consequence: missense variant.
Genome position (GRCh38, 1-based): chr11:67,522,616, T>G on the plus strand (A>C on the coding strand, the complement: CABP2 is on the minus strand). VCF-style: chr11-67522616-T-G. GRCh37 (hg19) VCF-style: chr11-67290087-T-G.
Other names: c.157A>C, p.Thr53Pro (NM_001318496.2); short protein forms T53P, Y48S.
Identifiers: ClinVar variation 1254635 (VCV001254635.7), dbSNP rs760234562, ClinGen allele CA6142583.